The following is an entry in ClinVar:

NM_006904.7(PRKDC):c.2092C>G (p.Pro698Ala)

Gene: PRKDC (protein kinase, DNA-activated, catalytic subunit; minus strand). Cytogenetic location: 8q11.21.
Variant type: single nucleotide variant.
Coding change: c.2092C>G on transcript NM_006904.7 (MANE Select); coding-DNA position 2092, C replaced by G.
Protein change: p.Pro698Ala; replaces proline 698 with alanine.
Molecular consequence: missense variant.
Genome position (GRCh38, 1-based): chr8:47,929,139, G>C on the plus strand (C>G on the coding strand, the complement: PRKDC is on the minus strand). VCF-style: chr8-47929139-G-C. GRCh37 (hg19) VCF-style: chr8-48841699-G-C.
Other names: c.2092C>G, p.Pro698Ala (NM_001081640.2); short protein forms P698A.
Identifiers: ClinVar variation 1713907 (VCV001713907.6), dbSNP rs747568583, ClinGen allele CA371163851.
Genomic context (GRCh38, chr8:47,929,139, plus strand): 5'-ATTTAAAAATTACCTCTTTGCCAAATTTCACAAATAAAGCAAAGCAAGAATACTTTTCTG[G>C]GTCTTCAGGAGAGTGTTTCAGACTCTTTGGACTAACTCCCTGTCAAATAAAACAGCAAGT-3'
Protein context (NP_008835.5, residues 688-708): PKSLKHSPED[Pro698Ala]EKYSCFALFV

ClinVar aggregate classification (germline): Uncertain significance. Review status: criteria provided, multiple submitters, no conflicts (2 of 4 stars). 2 submissions from 2 submitters: Uncertain significance (2). Last evaluated 2024-09-06.

Conditions:
Severe combined immunodeficiency due to DNA-PKcs deficiency. Also called: IMMUNODEFICIENCY 26 WITH NEUROLOGIC ABNORMALITIES; Immunodeficiency 26 with or without neurologic abnormalities. Identifiers: Orphanet 317425, MedGen C4014833, MONDO:0014423, OMIM 615966.

Submissions (2):

Ambry Genetics
Classification: Uncertain significance. Last evaluated: 2024-09-06. Review status: criteria provided, single submitter. Criteria: Ambry Variant Classification Scheme 2023. Collection method: clinical testing. Allele origin: germline.
Comment: The p.P698A variant (also known as c.2092C>G), located in coding exon 19 of the PRKDC gene, results from a C to G substitution at nucleotide position 2092. The proline at codon 698 is replaced by alanine, an amino acid with highly similar properties. This amino acid position is conserved. In addition, this alteration is predicted to be tolerated by in silico analysis. Based on the available evidence, the clinical significance of this variant remains unclear.

Labcorp Genetics (formerly Invitae), Labcorp
Classification: Uncertain significance for Severe combined immunodeficiency due to DNA-PKcs deficiency. Last evaluated: 2023-08-17. Review status: criteria provided, single submitter. Criteria: Invitae Variant Classification Sherloc (09022015). Collection method: clinical testing. Allele origin: germline.
Comment: Advanced modeling of protein sequence and biophysical properties (such as structural, functional, and spatial information, amino acid conservation, physicochemical variation, residue mobility, and thermodynamic stability) performed at Invitae indicates that this missense variant is not expected to disrupt PRKDC protein function. In summary, the available evidence is currently insufficient to determine the role of this variant in disease. Therefore, it has been classified as a Variant of Uncertain Significance. This sequence change replaces proline, which is neutral and non-polar, with alanine, which is neutral and non-polar, at codon 698 of the PRKDC protein (p.Pro698Ala). This variant is not present in population databases (gnomAD no frequency). This variant has not been reported in the literature in individuals affected with PRKDC-related conditions. ClinVar contains an entry for this variant (Variation ID: 1713907).